The following is an entry in ClinVar:

ClinVar aggregate classification (germline): Uncertain significance (1 of 4 stars; one submission).

Allele frequency attached by ClinVar (database versions not stated): TOPMed below 0.00001.
gnomAD v4.1: 2 of 1,613,344 alleles (0.00012%); highest among the groups gnomAD compares: African/African-American, 0.0013%; no homozygotes.

Submission:

Labcorp Genetics (formerly Invitae), Labcorp
Classification: Uncertain significance. Last evaluated: 2023-12-13. Review status: criteria provided, single submitter. Criteria: Invitae Variant Classification Sherloc (09022015). Collection method: clinical testing. Allele origin: germline.
Comment: This sequence change replaces aspartic acid, which is acidic and polar, with glutamic acid, which is acidic and polar, at codon 1677 of the DCHS1 protein (p.Asp1677Glu). This variant is not present in population databases (gnomAD no frequency). This variant has not been reported in the literature in individuals affected with DCHS1-related conditions. Advanced modeling of protein sequence and biophysical properties (such as structural, functional, and spatial information, amino acid conservation, physicochemical variation, residue mobility, and thermodynamic stability) performed at Invitae indicates that this missense variant is expected to disrupt DCHS1 protein function with a positive predictive value of 80%. In summary, the available evidence is currently insufficient to determine the role of this variant in disease. Therefore, it has been classified as a Variant of Uncertain Significance.

NM_003737.4(DCHS1):c.5031C>A (p.Asp1677Glu)

Gene: DCHS1 (dachsous cadherin-related 1; minus strand). Cytogenetic location: 11p15.4.
Variant type: single nucleotide variant.
Coding change: c.5031C>A on transcript NM_003737.4 (MANE Select); coding-DNA position 5031, C replaced by A.
Protein change: p.Asp1677Glu; replaces aspartic acid 1677 with glutamic acid.
Molecular consequence: missense variant.
Genome position (GRCh38, 1-based): chr11:6,629,676, G>T on the plus strand (C>A on the coding strand, the complement: DCHS1 is on the minus strand). VCF-style: chr11-6629676-G-T. GRCh37 (hg19) VCF-style: chr11-6650907-G-T.
Other names: short protein forms D1677E.
Identifiers: ClinVar variation 2782888 (VCV002782888.3), dbSNP rs1418689660, ClinGen allele CA379397780.